The following is an entry in ClinVar:

NM_017514.5(PLXNA3):c.2876C>T (p.Ser959Phe)

Gene: PLXNA3 (plexin A3; plus strand). Cytogenetic location: Xq28.
Variant type: single nucleotide variant.
Coding change: c.2876C>T on transcript NM_017514.5 (MANE Select); coding-DNA position 2876, C replaced by T.
Protein change: p.Ser959Phe; replaces serine 959 with phenylalanine.
Molecular consequence: missense variant.
Genome position (GRCh38, 1-based): chrX:154,466,452, C>T. VCF-style: chrX-154466452-C-T. GRCh37 (hg19) VCF-style: chrX-153694795-C-T.
Other names: short protein forms S959F.
Identifiers: ClinVar variation 4986001 (VCV004986001.1).

ClinVar aggregate classification (germline): Uncertain significance (1 of 4 stars; one submission).

Conditions:
PLXNA3-related disorder. Also called: PLXNA3-related condition.

gnomAD v4.1: 4 of 1,211,196 alleles (0.00033%); highest among the groups gnomAD compares: Non-Finnish European, 0.00045%; no homozygotes.

Submission:

PreventionGenetics, part of Exact Sciences
Classification: Uncertain significance for PLXNA3-related condition. Last evaluated: 2026-09-23. Review status: criteria provided, single submitter. Criteria: ACMG Guidelines, 2015. Collection method: clinical testing. Allele origin: germline.
Comment: The PLXNA3 c.2876C>T variant is predicted to result in the amino acid substitution p.Ser959Phe. To our knowledge, this variant has not been reported in the literature or in a large population database (gnomAD), indicating this variant is rare. At this time, the clinical significance of this variant is uncertain due to the absence of conclusive functional and genetic evidence.